The following is an entry in ClinVar:

NM_000372.5(TYR):c.1467dup (p.Ala490fs)

Gene: TYR (tyrosinase; plus strand). Cytogenetic location: 11q14.3.
Variant type: Duplication.
Coding change: c.1467dup on transcript NM_000372.5 (MANE Select); coding-DNA position 1467, one base duplicated (T; older notation c.1467dupT).
Protein change: p.Ala490fs; shifts the reading frame from alanine 490.
Molecular consequence: frameshift variant.
Genome position (GRCh38, 1-based): chr11:89,295,243, T duplicated. VCF-style (leftmost placement, unchanged base first): chr11-89295242-C-CT. GRCh37 (hg19) VCF-style: chr11-89028410-C-CT.
Other names: c.1467dupT (NM_000372.5); short protein forms A490fs.
Identifiers: ClinVar variation 3803 (VCV000003803.37), dbSNP rs61754399, ClinGen allele CA227532.
Genomic context (GRCh38, chr11:89,295,242, plus strand): 5'-AACAAGCGAGTCGGATCTGGTCATGGCTCCTTGGGGCGGCGATGGTAGGGGCCGTCCTCA[C>CT]TGCCCTGCTGGCAGGGCTTGTGAGCTTGCTGTGTCGTCACAAGAGAAAGCAGCTTCCTGA-3'

ClinVar aggregate classification (germline): Pathogenic/Likely pathogenic. Review status: criteria provided, multiple submitters, no conflicts (2 of 4 stars). 18 submissions from 18 submitters: Pathogenic (13); Likely pathogenic (1). 4 of the submissions do not count toward it. Last evaluated 2025-10-15.

Conditions:
Oculocutaneous albinism type 1A (OCA1A). Also called: Albinism, oculocutaneous, type IA. Identifiers: Orphanet 352731, Orphanet 79431, MedGen C4551504, MONDO:0008745, OMIM 203100. Disease mechanism: loss of function.
Oculocutaneous albinism type 1B (OCA1B). Also called: ALBINISM, OCULOCUTANEOUS, TYPE IB; YELLOW ALBINISM; ALBINISM, YELLOW MUTANT TYPE. Identifiers: Orphanet 352731, Orphanet 352737, Orphanet 79434, MedGen C1847024, MONDO:0011749, OMIM 606952.
SKIN/HAIR/EYE PIGMENTATION 3, LIGHT/DARK SKIN (SHEP3). Also called: SKIN/HAIR/EYE PIGMENTATION, VARIATION IN, 3; SKIN/HAIR/EYE PIGMENTATION 3, BLUE/GREEN EYE COLOR; SKIN/HAIR/EYE PIGMENTATION 3, FRECKLING; EYE COLOR 1; EYE COLOR, GREEN/BLUE. Identifiers: MedGen C2677190, OMIM 601800.
TYR-related disorder. Also called: TYR-related condition.
Oculocutaneous albinism. Identifiers: Orphanet 55, MedGen C0078918, MONDO:0018910.

Allele frequency attached by ClinVar (database versions not stated): gnomAD 0.00014; ExAC 0.00015; gnomAD exomes 0.00018; TOPMed 0.00030.

Submissions (18):

PreventionGenetics, part of Exact Sciences
Classification: Pathogenic for TYR-related condition. Last evaluated: 2025-10-15. Review status: criteria provided, single submitter. Criteria: ACMG Guidelines, 2015. Collection method: clinical testing. Allele origin: germline.
Comment: The TYR c.1467dupT variant is predicted to result in a frameshift and premature protein termination (p.Ala490Cysfs*20). This variant has been reported in the compound heterozygous state in individuals with oculocutaneous albinism (King et al. 2003. PubMed ID: 13680365; Norman et al. 2017. PubMed ID: 28667292; Marti et al. 2018. PubMed ID: 28976636). This variant is present in 0.051% of alleles in individuals of Latino descent in gnomAD. Frameshift variants in TYR are an established mechanism of disease. Given the evidence, we interpret this variant as pathogenic.

Blueprint Genetics
Classification: Pathogenic for TYR-related disorders. Last evaluated: 2024-10-21. Review status: criteria provided, single submitter. Criteria: ACMG Guidelines, 2015. Collection method: clinical testing. Allele origin: germline. Affected: yes. Observed: 5 variant alleles.

Women's Health and Genetics/Laboratory Corporation of America, LabCorp
Classification: Pathogenic for Oculocutaneous albinism. Last evaluated: 2024-09-10. Review status: criteria provided, single submitter. Criteria: LabCorp Variant Classification Summary - May 2015. Collection method: clinical testing. Allele origin: germline.
Comment: Variant summary: TYR c.1467dupT (p.Ala490CysfsX20) results in a premature termination codon, predicted to cause a truncation of the encoded protein or absence of the protein due to nonsense mediated decay, which are commonly known mechanisms for disease. The variant allele was found at a frequency of 0.00018 in 251060 control chromosomes. This frequency is not significantly higher than estimated for a pathogenic variant in TYR causing Oculocutaneous Albinism, allowing no conclusion about variant significance. c.1467dupT has been reported in the literature in multiple compound heterozygous individuals affected with Oculocutaneous Albinism (e.g. King_2003, Gao_2017). These data indicate that the variant is very likely to be associated with disease. The following publications have been ascertained in the context of this evaluation (PMID: 28451379, 13680365). ClinVar contains an entry for this variant (Variation ID: 3803). Based on the evidence outlined above, the variant was classified as pathogenic.

Fulgent Genetics
Classification: Pathogenic for Oculocutaneous albinism type 1A; SKIN/HAIR/EYE PIGMENTATION 3, LIGHT/DARK SKIN; Oculocutaneous albinism type 1B. Last evaluated: 2024-03-27. Review status: criteria provided, single submitter. Criteria: ACMG Guidelines, 2015. Collection method: clinical testing. Allele origin: germline.

Baylor Genetics
Classification: Pathogenic for SKIN/HAIR/EYE PIGMENTATION 3, LIGHT/DARK SKIN. Last evaluated: 2024-03-16. Review status: criteria provided, single submitter. Criteria: ACMG Guidelines, 2015. Collection method: clinical testing. Allele origin: unknown.

GeneDx
Classification: Pathogenic. Last evaluated: 2023-08-02. Review status: criteria provided, single submitter. Criteria: GeneDx Variant Classification Process June 2021. Collection method: clinical testing. Allele origin: germline. Affected: yes.
Comment: Frameshift variant in the C-terminus predicted to result in protein truncation, as the last 40 amino acids are lost and replaced with 19 incorrect amino acids in published literature (Chintamaneni et al., 1991); Published functional studies demonstrate c.1467dupT impairs the C-terminus of the protein and reduces enzyme activity (Chintamaneni et al., 1991); This variant is associated with the following publications: (PMID: 13680365, 1711223, 28667292, 19060277, 1642278, 28451379, 18821858, 18463683, 1409426, 15146472, 34426522, 26689913, 28976636, 18326704)

Institute of Human Genetics, University of Leipzig Medical Center
Classification: Pathogenic for Oculocutaneous albinism type 1B. Last evaluated: 2023-05-17. Review status: criteria provided, single submitter. Criteria: ACMG Guidelines, 2015. Collection method: clinical testing. Allele origin: maternal. Inheritance: Autosomal recessive inheritance. Affected: yes.
Comment: Identified as compund heterozygous with NM_000372.5:c.1205G>A. Criteria applied: PM3_VSTR,PVS1_MOD

Equipe Genetique des Anomalies du Developpement, Université de Bourgogne
Classification: Pathogenic for Oculocutaneous albinism type 1B. Last evaluated: 2023-02-17. Review status: criteria provided, single submitter. Criteria: ACMG Guidelines, 2015. Collection method: clinical testing. Allele origin: unknown. Inheritance: Autosomal recessive inheritance. Affected: yes.
Comment: This variant was observed in compound heterozygosity with c.[575C>A;1205G>A] variants (hypomorphic allele)

Labcorp Genetics (formerly Invitae), Labcorp
Classification: Pathogenic. Last evaluated: 2022-11-02. Review status: criteria provided, single submitter. Criteria: Invitae Variant Classification Sherloc (09022015). Collection method: clinical testing. Allele origin: germline.
Comment: This sequence change creates a premature translational stop signal (p.Ala490Cysfs*20) in the TYR gene. While this is not anticipated to result in nonsense mediated decay, it is expected to disrupt the last 40 amino acid(s) of the TYR protein. This variant is present in population databases (rs543973275, gnomAD 0.05%). This premature translational stop signal has been observed in individuals with oculocutaneous albinism (PMID: 1642278, 1711223, 13680365, 18463683). ClinVar contains an entry for this variant (Variation ID: 3803). For these reasons, this variant has been classified as Pathogenic.

Revvity Omics, Revvity
Classification: Pathogenic. Last evaluated: 2022-02-11. Review status: criteria provided, single submitter. Criteria: ACMG Guidelines, 2015. Collection method: clinical testing. Allele origin: germline.

MGZ Medical Genetics Center
Classification: Likely pathogenic for Oculocutaneous albinism type 1A. Last evaluated: 2022-01-10. Review status: criteria provided, single submitter. Criteria: ACMG Guidelines, 2015. Collection method: clinical testing. Allele origin: germline. Affected: yes. Observed: 2 variant alleles.
Comment: ACMG criteria applied: PM3_STR, PVS1_MOD, PS4_MOD, PS3_SUP

Genome-Nilou Lab
Classification: Pathogenic for Oculocutaneous albinism type 1A. Last evaluated: 2021-07-22. Review status: criteria provided, single submitter. Criteria: ACMG Guidelines, 2015. Collection method: clinical testing. Allele origin: germline. Affected: no.

Genetic Services Laboratory, University of Chicago
Classification: Pathogenic for Albinism, oculocutaneous, type IA. Last evaluated: 2017-03-31. Review status: criteria provided, single submitter. Criteria: ACMG Guidelines, 2015. Collection method: clinical testing. Allele origin: germline. Affected: yes.

Eurofins Ntd Llc (ga)
Classification: Pathogenic. Last evaluated: 2016-07-19. Review status: criteria provided, single submitter. Criteria: EGL Classification Definitions. Collection method: clinical testing. Allele origin: germline. Observed: 1 variant allele, 1 heterozygote.
Comment: The c.1467dupT pathogenic variant has been reported in individuals with oculocutaneous albinism1-3 and is of a type expected to cause disease.[1-3] 1. Chintamaneni et al., Proc Natl Acad Sci U S A. 1991 Jun 15;88(12):5272-6. 2. King et al., Hum Genet. 2003 Nov;113(6):502-13. 3. Grønskov et al., Invest Ophthalmol Vis Sci. 2009 Mar;50(3):1058-64.

OMIM
Classification: Pathogenic for ALBINISM, OCULOCUTANEOUS, TYPE IA. Last evaluated: 1992-07-15. Review status: no assertion criteria provided. Collection method: literature only. Allele origin: germline. Not counted in ClinVar's aggregate classification.

Clinical Genetics DNA and cytogenetics Diagnostics Lab, Erasmus MC, Erasmus Medical Center
Classification: Pathogenic. Review status: no assertion criteria provided. Collection method: clinical testing. Allele origin: germline. Affected: yes. Study: VKGL Data-share Consensus. Not counted in ClinVar's aggregate classification.

Clinical Genetics, Academic Medical Center
Classification: Pathogenic. Review status: no assertion criteria provided. Collection method: clinical testing. Allele origin: germline. Affected: yes. Study: VKGL Data-share Consensus. Not counted in ClinVar's aggregate classification.

Retina International
No classification provided. Review status: no classification provided. Collection method: not provided. Allele origin: unknown. Not counted in ClinVar's aggregate classification.

Literature cited by the submitters: PubMed 13680365 (cited by 3 submitters); PubMed 28451379 (cited by Women's Health and Genetics/Laboratory Corporation of America, LabCorp); PubMed 1711223 (cited by 3 submitters); PubMed 19060277 (cited by Equipe Genetique des Anomalies du Developpement, Université de Bourgogne and Eurofins Ntd Llc (ga)); PubMed 1642278 (cited by Labcorp Genetics (formerly Invitae), Labcorp and OMIM); PubMed 18463683 (cited by Labcorp Genetics (formerly Invitae), Labcorp).